The following is an entry in ClinVar:

NM_000455.5(STK11):c.159C>G (p.Asp53Glu)

Gene: STK11 (serine/threonine kinase 11; plus strand). Cytogenetic location: 19p13.3.
Variant type: single nucleotide variant.
Coding change: c.159C>G on transcript NM_000455.5 (MANE Select); coding-DNA position 159, C replaced by G.
Protein change: p.Asp53Glu; replaces aspartic acid 53 with glutamic acid.
Molecular consequence: missense variant.
Genome position (GRCh38, 1-based): chr19:1,207,072, C>G. VCF-style: chr19-1207072-C-G. GRCh37 (hg19) VCF-style: chr19-1207071-C-G.
Other names: short protein forms D53E.
Identifiers: ClinVar variation 233466 (VCV000233466.6), dbSNP rs876660426, ClinGen allele CA10580996.

ClinVar aggregate classification (germline): Uncertain significance (1 of 4 stars; one submission).

Conditions:
Hereditary cancer-predisposing syndrome. Also called: Neoplastic Syndromes, Hereditary; Tumor predisposition; Hereditary Cancer Syndrome; Hereditary neoplastic syndrome. Identifiers: Orphanet 140162, MedGen C0027672, MeSH D009386, MONDO:0015356.

Submission:

Ambry Genetics
Classification: Uncertain significance for Hereditary cancer-predisposing syndrome. Last evaluated: 2025-01-16. Review status: criteria provided, single submitter. Criteria: Ambry Variant Classification Scheme 2023. Collection method: clinical testing. Allele origin: germline.
Comment: The p.D53E variant (also known as c.159C>G), located in coding exon 1 of the STK11 gene, results from a C to G substitution at nucleotide position 159. The aspartic acid at codon 53 is replaced by glutamic acid, an amino acid with highly similar properties. This amino acid position is highly conserved in available vertebrate species. In addition, the in silico prediction for this alteration is inconclusive. Based on the available evidence, the clinical significance of this variant remains unclear.